The following is an entry in ClinVar:

ClinVar aggregate classification (germline): Conflicting classifications of pathogenicity. Review status: criteria provided, conflicting classifications (1 of 4 stars). 2 submissions from 2 submitters: Likely pathogenic (1); Uncertain significance (1). Last evaluated 2024-10-05.

Conditions:
Hereditary cancer-predisposing syndrome. Also called: Hereditary Cancer Syndrome; Hereditary neoplastic syndrome; Neoplastic Syndromes, Hereditary; Tumor predisposition. Identifiers: Orphanet 140162, MedGen C0027672, MeSH D009386, MONDO:0015356.
Familial adenomatous polyposis 2. Also called: MUTYH-associated polyposis; Adenomas, multiple colorectal; COLORECTAL ADENOMATOUS POLYPOSIS, AUTOSOMAL RECESSIVE; ADENOMAS, MULTIPLE COLORECTAL, AUTOSOMAL RECESSIVE; MUTYH-related attenuated familial adenomatous polyposis; MYH-associated polyposis. Identifiers: Orphanet 220460, Orphanet 247798, MedGen C3272841, MONDO:0012041, OMIM 608456.

Submissions (2):

Ambry Genetics
Classification: Likely pathogenic for Hereditary cancer-predisposing syndrome. Last evaluated: 2024-10-05. Review status: criteria provided, single submitter. Criteria: Ambry Variant Classification Scheme 2023. Collection method: clinical testing. Allele origin: germline.
Comment: The p.R245L variant (also known as c.734G>T), located in coding exon 9 of the MUTYH gene, results from a G to T substitution at nucleotide position 734. The arginine at codon 245 is replaced by leucine, an amino acid with dissimilar properties. Another variant at the same codon, p.R245H (c.734G>A), has been reported in both the homozygous and compound heterozygous state in multiple individuals with colon polyposis and/or colorectal cancer (Aceto G et al. Hum. Mut. 2005 Oct;26:394; Russell AM et al. Int. J. Cancer. 2006 Apr;118:1937-40; Piccioli P et al. Clin. Chem. 2006 Apr;52:739-43; Olschwang S et al. Genet. Test. 2007;11:315-20; Jones N et al. Gastroenterology. 2009 Aug;137:489-94, 494.e1; quiz 725-6; Vogt S et al. Gastroenterology. 2009 Dec;137:1975-85; Morak M et al. Clin Genet, 2010 Oct;78:353-63; Win AK et al. Gastroenterology. 2014 May;146:1208-11.e1-5; Papp J et al. Fam. Cancer. 2016 Jan;15:85-97; Kacerovska D et al. Am. J. Dermatopathol. 2016 Dec;38:915-92; Ricci MT et al. J Hum Genet, 2017 Feb;62:309-315; Viel A et al. EBioMedicine, 2017 Jun;20:39-49; Yanus GA et al. Clin. Genet. 2018 May;93:1015-1021; Sutcliffe EG et al. Fam Cancer, 2019 04;18:203-209; Staninova-Stojovska M et al. Balkan J Med Genet, 2019 Dec;22:5-16). This amino acid position is highly conserved in available vertebrate species. In addition, this alteration is predicted to be deleterious by in silico analysis. This variant is considered to be rare based on population cohorts in the Genome Aggregation Database (gnomAD). Based on the majority of available evidence to date, this variant is likely to be pathogenic.

Labcorp Genetics (formerly Invitae), Labcorp
Classification: Uncertain significance for Familial adenomatous polyposis 2. Last evaluated: 2024-06-06. Review status: criteria provided, single submitter. Criteria: Invitae Variant Classification Sherloc (09022015). Collection method: clinical testing. Allele origin: germline.
Comment: This sequence change replaces arginine, which is basic and polar, with leucine, which is neutral and non-polar, at codon 245 of the MUTYH protein (p.Arg245Leu). This variant is not present in population databases (gnomAD no frequency). This missense change has been observed in individual(s) with adenomatous polyposis (PMID: 17081686). This variant is also known as R231L. An algorithm developed to predict the effect of missense changes on protein structure and function (PolyPhen-2) suggests that this variant is likely to be disruptive. Experimental studies have shown that this missense change affects MUTYH function (PMID: 17081686). This variant disrupts the p.Arg245 amino acid residue in MUTYH. Other variant(s) that disrupt this residue have been determined to be pathogenic (PMID: 16134147, 16557584, 19732775, 23108399, 24444654, 26446593). This suggests that this residue is clinically significant, and that variants that disrupt this residue are likely to be disease-causing. In summary, the available evidence is currently insufficient to determine the role of this variant in disease. Therefore, it has been classified as a Variant of Uncertain Significance.

Literature cited by the submitters: PubMed 17081686 (cited by Labcorp Genetics (formerly Invitae), Labcorp); PubMed 16134147 (cited by Labcorp Genetics (formerly Invitae), Labcorp); PubMed 16557584 (cited by Labcorp Genetics (formerly Invitae), Labcorp); PubMed 19732775 (cited by Labcorp Genetics (formerly Invitae), Labcorp); PubMed 23108399 (cited by Labcorp Genetics (formerly Invitae), Labcorp); PubMed 24444654 (cited by Labcorp Genetics (formerly Invitae), Labcorp); PubMed 26446593 (cited by Labcorp Genetics (formerly Invitae), Labcorp).

NM_001048174.2(MUTYH):c.650G>T (p.Arg217Leu)

Gene: MUTYH (mutY DNA glycosylase; minus strand). Cytogenetic location: 1p34.1.
Variant type: single nucleotide variant.
Coding change: c.650G>T on transcript NM_001048174.2 (MANE Select); coding-DNA position 650, G replaced by T.
Protein change: p.Arg217Leu; replaces arginine 217 with leucine.
Molecular consequence: missense variant. On other transcripts: non-coding transcript variant (7).
Genome position (GRCh38, 1-based): chr1:45,332,445, C>A on the plus strand (G>T on the coding strand, the complement: MUTYH is on the minus strand). VCF-style: chr1-45332445-C-A. GRCh37 (hg19) VCF-style: chr1-45798117-C-A.
Other names: c.653G>T, p.Arg218Leu (NM_001407086.1, NM_001407078.1, NM_001048172.2 and 1 more transcripts); c.671G>T, p.Arg224Leu (NM_001407087.1); c.650G>T, p.Arg217Leu (NM_001407088.1, NM_001407089.1, NM_001407081.1 and 6 more transcripts); c.374G>T, p.Arg125Leu (NM_001407091.1, NM_001293192.2, NM_001293196.2); c.725G>T, p.Arg242Leu (NM_012222.3); c.566G>T, p.Arg189Leu (NM_001407075.1); c.683G>T, p.Arg228Leu (NM_001407077.1, NM_001293191.2, NM_001407069.1); c.611G>T, p.Arg204Leu (NM_001407079.1); and 5 more; short protein forms R125L, R228L, R204L, R224L, R242L, R189L, R203L, R218L.
Identifiers: ClinVar variation 2733895 (VCV002733895.4), dbSNP rs140342925, ClinGen allele CA340134845.